The following is an entry in ClinVar:

NM_000186.4(CFH):c.3464G>C (p.Gly1155Ala)

Gene: CFH (complement factor H; plus strand). Cytogenetic location: 1q31.3.
Variant type: single nucleotide variant.
Coding change: c.3464G>C on transcript NM_000186.4 (MANE Select); coding-DNA position 3464, G replaced by C.
Protein change: p.Gly1155Ala; replaces glycine 1155 with alanine.
Molecular consequence: missense variant.
Genome position (GRCh38, 1-based): chr1:196,745,970, G>C. VCF-style: chr1-196745970-G-C. GRCh37 (hg19) VCF-style: chr1-196715100-G-C.
Other names: short protein forms G1155A.
Identifiers: ClinVar variation 1507797 (VCV001507797.5), dbSNP rs1652988982, ClinGen allele CA343986198.

ClinVar aggregate classification (germline): Uncertain significance (1 of 4 stars; one submission).

Allele frequency attached by ClinVar (database versions not stated): gnomAD exomes below 0.00001; TOPMed below 0.00001; gnomAD 0.00001.
gnomAD v4.1: 4 of 1,613,970 alleles (0.00025%); highest among the groups gnomAD compares: Non-Finnish European, 0.00034%; no homozygotes.

Submission:

Labcorp Genetics (formerly Invitae), Labcorp
Classification: Uncertain significance. Last evaluated: 2021-08-09. Review status: criteria provided, single submitter. Criteria: Invitae Variant Classification Sherloc (09022015). Collection method: clinical testing. Allele origin: germline.
Comment: This variant is not present in population databases (ExAC no frequency). In summary, the available evidence is currently insufficient to determine the role of this variant in disease. Therefore, it has been classified as a Variant of Uncertain Significance. Algorithms developed to predict the effect of missense changes on protein structure and function are either unavailable or do not agree on the potential impact of this missense change (SIFT: "Deleterious"; PolyPhen-2: "Probably Damaging"; Align-GVGD: "Class C0"). This missense change has been observed in individual(s) with complement defects (PMID: 32185379). This sequence change replaces glycine with alanine at codon 1155 of the CFH protein (p.Gly1155Ala). The glycine residue is highly conserved and there is a small physicochemical difference between glycine and alanine.

Literature cited by the submitters: PubMed 32185379.